The following is an entry in ClinVar:

NM_014049.5(ACAD9):c.907G>T (p.Gly303Cys)

Genes: ACAD9 (acyl-CoA dehydrogenase family member 9; plus strand), LOC126806807 (BRD4-independent group 4 enhancer GRCh37_chr3:128620937-128622136; plus strand). Cytogenetic location: 3q21.3.
Variant type: single nucleotide variant.
Coding change: c.907G>T on transcript NM_014049.5 (MANE Select); coding-DNA position 907, G replaced by T.
Protein change: p.Gly303Cys; replaces glycine 303 with cysteine.
Molecular consequence: missense variant. On other transcripts: non-coding transcript variant (1).
Genome position (GRCh38, 1-based): chr3:128,902,577, G>T. VCF-style: chr3-128902577-G-T. GRCh37 (hg19) VCF-style: chr3-128621420-G-T.
Other names: short protein forms G303C.
Identifiers: ClinVar variation 1466516 (VCV001466516.3), dbSNP rs143383023, ClinGen allele CA354435466.
Genomic context (GRCh38, chr3:128,902,577, plus strand): 5'-TTCAGGGCCCCTGGGCTCTCCCTGTTCTCCCTGCAGGTGGCCATGAACATCCTCAACAGC[G>T]GCCGGTTCAGCATGGGCAGCGTCGTGGCTGGGCTGCTCAAGAGATTGATTGGTAGGTAAG-3'
Protein context (NP_054768.2, residues 293-313): FKVAMNILNS[Gly303Cys]RFSMGSVVAG

ClinVar aggregate classification (germline): Uncertain significance (1 of 4 stars; one submission).

gnomAD v4.1: 1 of 1,614,006 alleles (0.000062%); highest among the groups gnomAD compares: Non-Finnish European, 0.000085%; no homozygotes.

Submission:

Labcorp Genetics (formerly Invitae), Labcorp
Classification: Uncertain significance. Last evaluated: 2021-08-28. Review status: criteria provided, single submitter. Criteria: Invitae Variant Classification Sherloc (09022015). Collection method: clinical testing. Allele origin: germline.
Comment: This sequence change replaces glycine with cysteine at codon 303 of the ACAD9 protein (p.Gly303Cys). The glycine residue is highly conserved and there is a large physicochemical difference between glycine and cysteine. This variant is not present in population databases (ExAC no frequency). This variant has not been reported in the literature in individuals affected with ACAD9-related conditions. Advanced modeling of protein sequence and biophysical properties (such as structural, functional, and spatial information, amino acid conservation, physicochemical variation, residue mobility, and thermodynamic stability) performed at Invitae indicates that this missense variant is expected to disrupt ACAD9 protein function. In summary, the available evidence is currently insufficient to determine the role of this variant in disease. Therefore, it has been classified as a Variant of Uncertain Significance.